The following is an entry in ClinVar:

ClinVar aggregate classification (germline): Uncertain significance (1 of 4 stars; one submission).

Conditions:
Retinoblastoma (RB1). Also called: RETINOBLASTOMA, SOMATIC. Identifiers: Orphanet 790, MedGen C0035335, MeSH D012175, MONDO:0008380, OMIM 180200, HP:0009919. Disease mechanism: loss of function. Inheritance: Both sporadic and heritable forms are tested..

Allele frequency attached by ClinVar (database versions not stated): gnomAD exomes below 0.00001.
gnomAD v4.1: 1 of 1,460,492 alleles (0.000068%); highest among the groups gnomAD compares: South Asian, 0.0013%; no homozygotes.

Submission:

Labcorp Genetics (formerly Invitae), Labcorp
Classification: Uncertain significance for Retinoblastoma. Last evaluated: 2022-05-28. Review status: criteria provided, single submitter. Criteria: Invitae Variant Classification Sherloc (09022015). Collection method: clinical testing. Allele origin: germline.
Comment: Algorithms developed to predict the effect of missense changes on protein structure and function (SIFT, PolyPhen-2, Align-GVGD) all suggest that this variant is likely to be tolerated. This variant has not been reported in the literature in individuals affected with RB1-related conditions. This variant is not present in population databases (gnomAD no frequency). This sequence change replaces glutamic acid, which is acidic and polar, with glycine, which is neutral and non-polar, at codon 40 of the RB1 protein (p.Glu40Gly). In summary, the available evidence is currently insufficient to determine the role of this variant in disease. Therefore, it has been classified as a Variant of Uncertain Significance.

NM_000321.3(RB1):c.119A>G (p.Glu40Gly)

Gene: RB1 (RB transcriptional corepressor 1; plus strand). Cytogenetic location: 13q14.2.
Variant type: single nucleotide variant.
Coding change: c.119A>G on transcript NM_000321.3 (MANE Select); coding-DNA position 119, A replaced by G.
Protein change: p.Glu40Gly; replaces glutamic acid 40 with glycine.
Molecular consequence: missense variant.
Genome position (GRCh38, 1-based): chr13:48,304,031, A>G. VCF-style: chr13-48304031-A-G. GRCh37 (hg19) VCF-style: chr13-48878167-A-G.
Other names: c.119A>G, p.Glu40Gly (NM_001407165.1, NM_001407166.1, NM_001407167.1); short protein forms E40G.
Identifiers: ClinVar variation 2000160 (VCV002000160.4), dbSNP rs2138027953, ClinGen allele CA388250369.